The following is an entry in ClinVar:

NM_003200.5(TCF3):c.531G>A (p.Pro177=)

Gene: TCF3 (transcription factor 3; minus strand). Cytogenetic location: 19p13.3.
Variant type: single nucleotide variant.
Coding change: c.531G>A on transcript NM_003200.5 (MANE Select); coding-DNA position 531, G replaced by A.
Protein change: p.Pro177=; no amino-acid change (proline 177 retained).
Molecular consequence: synonymous variant.
Genome position (GRCh38, 1-based): chr19:1,623,969, C>T on the plus strand (G>A on the coding strand, the complement: TCF3 is on the minus strand). VCF-style: chr19-1623969-C-T. GRCh37 (hg19) VCF-style: chr19-1623968-C-T.
Other names: c.531G>A, p.Pro177= (NM_001136139.4, NM_001351778.2, NM_001351779.2).
Identifiers: ClinVar variation 2648942 (VCV002648942.24), dbSNP rs199702817, ClinGen allele CA9050336.
Genomic context (GRCh38, chr19:1,623,969, plus strand): 5'-CACTGACGAGCTGTGGGGTCCCTTCTCCCTCGTGCGACTCACCGAGGATGGAAGACCCGG[C>T]GGGACCTTCCGGACCTTCTTGGGCTGCGTGTCTGTTAGAAGCAAAAGGGGTGAGAACCGG-3'
Protein context (NP_003191.1, residues 167-187): DTQPKKVRKV[Pro177=]PGLPSSVYPP

ClinVar aggregate classification (germline): Likely benign (1 of 4 stars; one submission).

Allele frequency attached by ClinVar (database versions not stated): ExAC 0.00001; 1000 Genomes Project 0.00020; 1000 Genomes Project 30x 0.00031.
gnomAD v4.1: 5 of 1,613,468 alleles (0.00031%); highest among the groups gnomAD compares: East Asian, 0.0022%; no homozygotes.

Submission:

CeGaT Center for Human Genetics Tuebingen
Classification: Likely benign. Last evaluated: 2022-08-01. Review status: criteria provided, single submitter. Criteria: CeGaT Center For Human Genetics Tuebingen Variant Classification Criteria Version 2. Collection method: clinical testing. Allele origin: germline. Affected: yes. Observed: 1 variant allele.
Comment: TCF3: BP4, BP7